The following is an entry in ClinVar:

ClinVar aggregate classification (germline): Uncertain significance. Review status: criteria provided, multiple submitters, no conflicts (2 of 4 stars). 5 submissions from 5 submitters: Uncertain significance (5). Last evaluated 2026-05-22.

Conditions:
Methylmalonic aciduria, cblA type (MACA). Also called: Methylmalonic aciduria, vitamin b12-responsive, due to defect in synthesis of adenosylcobalamin, cbla complementation type; MMA cbl A type; Methylmalonic acidemia cblA type; Methylmalonic aciduria, vitamin B12-responsive; Vitamin B12-responsive methylmalonic acidemia type cblA. Identifiers: Orphanet 28, Orphanet 79310, MedGen C1855109, MONDO:0009613, OMIM 251100.

Allele frequency attached by ClinVar (database versions not stated): gnomAD 0.00027 and 0.00026; gnomAD exomes 0.00020 and 0.00070; TOPMed 0.00027; ExAC 0.00018; ESP Exome Variant Server 0.00062.
gnomAD v4.1: 1,046 of 1,614,148 alleles (0.065%); highest among the groups gnomAD compares: Non-Finnish European, 0.085%; no homozygotes.

Submissions (5):

GeneDx
Classification: Uncertain significance. Last evaluated: 2026-05-22. Review status: criteria provided, single submitter. Criteria: GeneDx Variant Classification Process June 2021. Collection method: clinical testing. Allele origin: germline.
Comment: In silico analysis supports that this missense variant has a deleterious effect on protein structure/function; Has not been previously published as pathogenic or benign to our knowledge

Fulgent Genetics
Classification: Uncertain significance for Methylmalonic aciduria, cblA type. Last evaluated: 2024-03-19. Review status: criteria provided, single submitter. Criteria: ACMG Guidelines, 2015. Collection method: clinical testing. Allele origin: germline.

Labcorp Genetics (formerly Invitae), Labcorp
Classification: Uncertain significance for Methylmalonic aciduria, cblA type. Last evaluated: 2022-01-27. Review status: criteria provided, single submitter. Criteria: Invitae Variant Classification Sherloc (09022015). Collection method: clinical testing. Allele origin: germline.
Comment: This sequence change replaces glutamic acid, which is acidic and polar, with lysine, which is basic and polar, at codon 393 of the MMAA protein (p.Glu393Lys). This variant is present in population databases (rs144313458, gnomAD 0.04%). This variant has not been reported in the literature in individuals affected with MMAA-related conditions. ClinVar contains an entry for this variant (Variation ID: 347608). Advanced modeling of protein sequence and biophysical properties (such as structural, functional, and spatial information, amino acid conservation, physicochemical variation, residue mobility, and thermodynamic stability) performed at Invitae indicates that this missense variant is expected to disrupt MMAA protein function. In summary, the available evidence is currently insufficient to determine the role of this variant in disease. Therefore, it has been classified as a Variant of Uncertain Significance.

Revvity Omics, Revvity
Classification: Uncertain significance for Methylmalonic aciduria, cblA type. Last evaluated: 2019-04-03. Review status: criteria provided, single submitter. Criteria: ACMG Guidelines, 2015. Collection method: clinical testing. Allele origin: germline.

Illumina Laboratory Services, Illumina
Classification: Uncertain significance for Methylmalonic aciduria, cblA type. Last evaluated: 2018-01-13. Review status: criteria provided, single submitter. Criteria: ICSL Variant Classification Criteria 13 December 2019. Collection method: clinical testing. Allele origin: germline.

NM_172250.3(MMAA):c.1177G>A (p.Glu393Lys)

Gene: MMAA (metabolism of cobalamin associated A; plus strand). Cytogenetic location: 4q31.21.
Variant type: single nucleotide variant.
Coding change: c.1177G>A on transcript NM_172250.3 (MANE Select); coding-DNA position 1177, G replaced by A.
Protein change: p.Glu393Lys; replaces glutamic acid 393 with lysine.
Molecular consequence: missense variant.
Genome position (GRCh38, 1-based): chr4:145,655,354, G>A. VCF-style: chr4-145655354-G-A. GRCh37 (hg19) VCF-style: chr4-146576506-G-A.
Other names: short protein forms E393K.
Identifiers: ClinVar variation 347608 (VCV000347608.14), dbSNP rs144313458, ClinGen allele CA3095373.